The following is an entry in ClinVar:

NM_003072.5(SMARCA4):c.1985C>T (p.Ser662Leu)

Gene: SMARCA4 (SWI/SNF related BAF chromatin remodeling complex subunit ATPase 4; plus strand). Cytogenetic location: 19p13.2.
Variant type: single nucleotide variant.
Coding change: c.1985C>T on transcript NM_003072.5 (MANE Select); coding-DNA position 1985, C replaced by T.
Protein change: p.Ser662Leu; replaces serine 662 with leucine.
Molecular consequence: missense variant. On other transcripts: non-coding transcript variant (1).
Genome position (GRCh38, 1-based): chr19:11,003,381, C>T. VCF-style: chr19-11003381-C-T. GRCh37 (hg19) VCF-style: chr19-11114057-C-T.
Other names: c.1985C>T, p.Ser662Leu (NM_001128844.3, NM_001128845.2, NM_001128846.2 and 5 more transcripts); short protein forms S662L.
Identifiers: ClinVar variation 408711 (VCV000408711.18), dbSNP rs1060502104, ClinGen allele CA16616133.

ClinVar aggregate classification (germline): Uncertain significance. Review status: criteria provided, multiple submitters, no conflicts (2 of 4 stars). 4 submissions from 4 submitters: Uncertain significance (4). Last evaluated 2024-12-26.

Conditions:
Hereditary cancer-predisposing syndrome. Also called: Hereditary Cancer Syndrome; Hereditary neoplastic syndrome; Neoplastic Syndromes, Hereditary; Tumor predisposition. Identifiers: Orphanet 140162, MedGen C0027672, MeSH D009386, MONDO:0015356.
Intellectual disability, autosomal dominant 16 (CSS4). Also called: COFFIN-SIRIS SYNDROME 4. Identifiers: Orphanet 1465, MedGen C3553249, MONDO:0013821, OMIM 614609.
Rhabdoid tumor predisposition syndrome 2 (RTPS2). Identifiers: Orphanet 231108, Orphanet 69077, MedGen C2750074, MONDO:0013224, OMIM 613325.

Submissions (4):

Labcorp Genetics (formerly Invitae), Labcorp
Classification: Uncertain significance for Rhabdoid tumor predisposition syndrome 2. Last evaluated: 2024-12-26. Review status: criteria provided, single submitter. Criteria: Invitae Variant Classification Sherloc (09022015). Collection method: clinical testing. Allele origin: germline.
Comment: This sequence change replaces serine, which is neutral and polar, with leucine, which is neutral and non-polar, at codon 662 of the SMARCA4 protein (p.Ser662Leu). This variant is not present in population databases (gnomAD no frequency). This variant has not been reported in the literature in individuals affected with SMARCA4-related conditions. ClinVar contains an entry for this variant (Variation ID: 408711). Invitae Evidence Modeling of protein sequence and biophysical properties (such as structural, functional, and spatial information, amino acid conservation, physicochemical variation, residue mobility, and thermodynamic stability) has been performed for this missense variant. However, the output from this modeling did not meet the statistical confidence thresholds required to predict the impact of this variant on SMARCA4 protein function. In summary, the available evidence is currently insufficient to determine the role of this variant in disease. Therefore, it has been classified as a Variant of Uncertain Significance.

Ambry Genetics
Classification: Uncertain significance for Hereditary cancer-predisposing syndrome. Last evaluated: 2024-07-12. Review status: criteria provided, single submitter. Criteria: Ambry Variant Classification Scheme 2023. Collection method: clinical testing. Allele origin: germline.
Comment: The p.S662L variant (also known as c.1985C>T), located in coding exon 12 of the SMARCA4 gene, results from a C to T substitution at nucleotide position 1985. The serine at codon 662 is replaced by leucine, an amino acid with dissimilar properties. This amino acid position is well conserved in available vertebrate species. In addition, this alteration is predicted to be tolerated by in silico analysis. Missense and in-frame variants in SMARCA4 are known to cause neurodevelopmental disorders; however, such associations with rhabdoid tumor predisposition syndrome including small cell carcinoma of the ovary-hypercalcemic type (SCCOHT) are exceedingly rare (Kosho T et al. Am J Med Genet C Semin Med Genet. 2014 Sep;166C(3):262-75; Jelinic P et al. Nat Genet. 2014 May;46(5):424-6). Based on the supporting evidence, the association of this alteration with Coffin-Siris syndrome is unknown; however, the association of this alteration with rhabdoid tumor predisposition syndrome is unlikely.

GeneDx
Classification: Uncertain significance. Last evaluated: 2023-07-14. Review status: criteria provided, single submitter. Criteria: GeneDx Variant Classification Process June 2021. Collection method: clinical testing. Allele origin: germline. Affected: yes.
Comment: Not observed at significant frequency in large population cohorts (gnomAD); In silico analysis supports that this missense variant has a deleterious effect on protein structure/function; Has not been previously published as pathogenic or benign to our knowledge

Genome-Nilou Lab
Classification: Uncertain significance for Intellectual disability, autosomal dominant 16. Last evaluated: 2021-07-15. Review status: criteria provided, single submitter. Criteria: ACMG Guidelines, 2015. Collection method: clinical testing. Allele origin: germline. Affected: no.